The following is an entry in ClinVar:

ClinVar aggregate classification (germline): Uncertain significance (1 of 4 stars; one submission).

gnomAD v4.1: 2 of 1,613,892 alleles (0.00012%); highest among the groups gnomAD compares: East Asian, 0.0022%; no homozygotes.

Submission:

Labcorp Genetics (formerly Invitae), Labcorp
Classification: Uncertain significance. Last evaluated: 2022-06-13. Review status: criteria provided, single submitter. Criteria: Invitae Variant Classification Sherloc (09022015). Collection method: clinical testing. Allele origin: germline.
Comment: This sequence change replaces threonine, which is neutral and polar, with serine, which is neutral and polar, at codon 166 of the LRAT protein (p.Thr166Ser). This variant is not present in population databases (gnomAD no frequency). This variant has not been reported in the literature in individuals affected with LRAT-related conditions. Algorithms developed to predict the effect of missense changes on protein structure and function are either unavailable or do not agree on the potential impact of this missense change (SIFT: "Tolerated"; PolyPhen-2: "Probably Damaging"; Align-GVGD: "Class C0"). In summary, the available evidence is currently insufficient to determine the role of this variant in disease. Therefore, it has been classified as a Variant of Uncertain Significance.

NM_004744.5(LRAT):c.497C>G (p.Thr166Ser)

Gene: LRAT (lecithin retinol acyltransferase; plus strand). Cytogenetic location: 4q32.1.
Variant type: single nucleotide variant.
Coding change: c.497C>G on transcript NM_004744.5 (MANE Select); coding-DNA position 497, C replaced by G.
Protein change: p.Thr166Ser; replaces threonine 166 with serine.
Molecular consequence: missense variant.
Genome position (GRCh38, 1-based): chr4:154,744,823, C>G. VCF-style: chr4-154744823-C-G. GRCh37 (hg19) VCF-style: chr4-155665975-C-G.
Other names: c.497C>G, p.Thr166Ser (NM_001301645.2); short protein forms T166S.
Identifiers: ClinVar variation 1405097 (VCV001405097.3), dbSNP rs749900934, ClinGen allele CA358630818.